The following is an entry in ClinVar:

NM_006949.4(STXBP2):c.1114G>C (p.Ala372Pro)

Gene: STXBP2 (syntaxin binding protein 2; plus strand). Cytogenetic location: 19p13.2.
Variant type: single nucleotide variant.
Coding change: c.1114G>C on transcript NM_006949.4 (MANE Select); coding-DNA position 1114, G replaced by C.
Protein change: p.Ala372Pro; replaces alanine 372 with proline.
Molecular consequence: missense variant. On other transcripts: non-coding transcript variant (1).
Genome position (GRCh38, 1-based): chr19:7,644,620, G>C. VCF-style: chr19-7644620-G-C. GRCh37 (hg19) VCF-style: chr19-7709506-G-C.
Other names: c.1105G>C, p.Ala369Pro (NM_001127396.3); c.1147G>C, p.Ala383Pro (NM_001272034.2); c.1018G>C, p.Ala340Pro (NM_001414484.1); short protein forms A369P, A383P, A372P, A340P.
Identifiers: ClinVar variation 2108609 (VCV002108609.4), dbSNP rs2512705781, ClinGen allele CA403160997.

ClinVar aggregate classification (germline): Uncertain significance (1 of 4 stars; one submission).

Conditions:
Familial hemophagocytic lymphohistiocytosis 5. Also called: STXBP2-Related Familial Hemophagocytic Lymphohistiocytosis (STXBP2-fHLH). Identifiers: Orphanet 540, MedGen C2751293, MONDO:0013135, OMIM 613101.

Submission:

Labcorp Genetics (formerly Invitae), Labcorp
Classification: Uncertain significance for Familial hemophagocytic lymphohistiocytosis 5. Last evaluated: 2022-03-10. Review status: criteria provided, single submitter. Criteria: Invitae Variant Classification Sherloc (09022015). Collection method: clinical testing. Allele origin: germline.
Comment: In summary, the available evidence is currently insufficient to determine the role of this variant in disease. Therefore, it has been classified as a Variant of Uncertain Significance. Algorithms developed to predict the effect of missense changes on protein structure and function are either unavailable or do not agree on the potential impact of this missense change (SIFT: "Deleterious"; PolyPhen-2: "Probably Damaging"; Align-GVGD: "Class C0"). This variant has not been reported in the literature in individuals affected with STXBP2-related conditions. This variant is not present in population databases (gnomAD no frequency). This sequence change replaces alanine, which is neutral and non-polar, with proline, which is neutral and non-polar, at codon 372 of the STXBP2 protein (p.Ala372Pro).